The following is an entry in ClinVar:

ClinVar aggregate classification (germline): Pathogenic (1 of 4 stars; one submission).

Conditions:
Ellis-van Creveld syndrome (EVC). Also called: Chondroectodermal dysplasia; EVC-Related Ellis-van Creveld Syndrome; EVC2-Related Ellis-van Creveld Syndrome; MESOECTODERMAL DYSPLASIA. Identifiers: Orphanet 289, MedGen C0013903, MONDO:0009162, OMIM 225500.
Curry-Hall syndrome (WAD). Also called: WEYERS ACRODENTAL DYSOSTOSIS. Identifiers: Orphanet 952, MedGen C0457013, MONDO:0008673, OMIM 193530.

Allele frequency attached by ClinVar (database versions not stated): gnomAD exomes below 0.00001; TOPMed below 0.00001; ExAC 0.00002; ESP Exome Variant Server 0.00008.

Submission:

Labcorp Genetics (formerly Invitae), Labcorp
Classification: Pathogenic for Curry-Hall syndrome; Ellis-van Creveld syndrome. Last evaluated: 2020-11-09. Review status: criteria provided, single submitter. Criteria: Invitae Variant Classification Sherloc (09022015). Collection method: clinical testing. Allele origin: germline.
Comment: This variant has not been reported in the literature in individuals with EVC2-related conditions. This variant is present in population databases (rs369739594, ExAC 0.01%). This sequence change creates a premature translational stop signal (p.Gln1219*) in the EVC2 gene. While this is not anticipated to result in nonsense mediated decay, it is expected to disrupt the last 90 amino acid(s) of the EVC2 protein. This variant disrupts the C-terminus of the EVC2 protein. Other variant(s) that disrupt this region (p.Ser1220Argfs*3) have been determined to be pathogenic (PMID: 12571802, 19810119). This suggests that variants that disrupt this region of the protein are likely to be causative of disease. For these reasons, this variant has been classified as Pathogenic.

Literature cited by the submitters: PubMed 12571802; PubMed 19810119.

NM_147127.5(EVC2):c.3655C>T (p.Gln1219Ter)

Gene: EVC2 (EvC ciliary complex subunit 2; minus strand). Cytogenetic location: 4p16.2.
Variant type: single nucleotide variant.
Coding change: c.3655C>T on transcript NM_147127.5 (MANE Select); coding-DNA position 3655, C replaced by T.
Protein change: p.Gln1219Ter; replaces glutamine 1219 with a stop codon.
Molecular consequence: nonsense.
Genome position (GRCh38, 1-based): chr4:5,565,262, G>A on the plus strand (C>T on the coding strand, the complement: EVC2 is on the minus strand). VCF-style: chr4-5565262-G-A. GRCh37 (hg19) VCF-style: chr4-5566989-G-A.
Other names: c.3415C>T, p.Gln1139Ter (NM_001166136.2); short protein forms Q1139*, Q1219*.
Identifiers: ClinVar variation 1386123 (VCV001386123.9), dbSNP rs369739594, ClinGen allele CA2834239.